The following is an entry in ClinVar:

NM_014208.3(DSPP):c.3438C>T (p.Asp1146=)

Genes: DMP1-AS1 (DMP1 and DSPP antisense RNA 1; minus strand), DSPP (dentin sialophosphoprotein; plus strand). Cytogenetic location: 4q22.1.
Variant type: single nucleotide variant.
Coding change: c.3438C>T on transcript NM_014208.3 (MANE Select); coding-DNA position 3438, C replaced by T.
Protein change: p.Asp1146=; no amino-acid change (aspartic acid 1146 retained).
Molecular consequence: synonymous variant.
Genome position (GRCh38, 1-based): chr4:87,616,100, C>T. VCF-style: chr4-87616100-C-T. GRCh37 (hg19) VCF-style: chr4-88537252-C-T.
Identifiers: ClinVar variation 2654917 (VCV002654917.26), dbSNP rs746991642, ClinGen allele CA3001702.

ClinVar aggregate classification (germline): Likely benign. Review status: criteria provided, multiple submitters, no conflicts (2 of 4 stars). 3 submissions from 3 submitters: Likely benign (3). Last evaluated 2025-06-01.

Allele frequency attached by ClinVar (database versions not stated): ExAC 0.00478.

Submissions (3):

CeGaT Center for Human Genetics Tuebingen
Classification: Likely benign. Last evaluated: 2025-06-01. Review status: criteria provided, single submitter. Criteria: CeGaT Center For Human Genetics Tuebingen Variant Classification Criteria Version 2. Collection method: clinical testing. Allele origin: germline. Affected: yes. Observed: 3 variant alleles.
Comment: DSPP: BP4, BP7

Blueprint Genetics
Classification: Likely benign. Last evaluated: 2024-11-26. Review status: criteria provided, single submitter. Criteria: ACMG Guidelines, 2015. Collection method: clinical testing. Allele origin: germline.

Breakthrough Genomics
Classification: Likely benign. Review status: criteria provided, single submitter. Criteria: ACMG Guidelines, 2015. Collection method: not provided. Allele origin: germline. Inheritance: Autosomal dominant inheritance. Affected: yes.